The following is an entry in ClinVar:

ClinVar aggregate classification (germline): Likely benign. Review status: reviewed by expert panel (3 of 4 stars). 8 submissions from 8 submitters: Likely benign (1). 7 of the submissions do not count toward it. Last evaluated 2026-06-23.

Conditions:
Global developmental delay - lung cysts - overgrowth - Wilms tumor syndrome. Also called: GLOBAL DEVELOPMENTAL DELAY, LUNG CYSTS, OVERGROWTH, AND WILMS TUMOR; GLOW Syndrome. Identifiers: Orphanet 404476, MedGen C4748924, MONDO:0018445, OMIM 618272.
DICER1-related tumor predisposition. Also called: DICER1-related pleuropulmonary blastoma cancer predisposition syndrome; DICER1 syndrome. Identifiers: Orphanet 284343, MedGen C3839822, MONDO:0100216.
Hereditary cancer-predisposing syndrome. Also called: Hereditary Cancer Syndrome; Tumor predisposition; Hereditary neoplastic syndrome; Neoplastic Syndromes, Hereditary. Identifiers: Orphanet 140162, MedGen C0027672, MeSH D009386, MONDO:0015356.

Allele frequency attached by ClinVar (database versions not stated): TOPMed below 0.00001; ExAC 0.00001; gnomAD 0.00001; gnomAD exomes 0.00001.
gnomAD v4.1: 15 of 1,612,770 alleles (0.00093%); highest among the groups gnomAD compares: African/African-American, 0.0013%; no homozygotes.

Submissions (8):

ClinGen DICER1 and miRNA-Processing Gene Variant Curation Expert Panel, ClinGen
Classification: Likely benign for DICER1-related tumor predisposition. Last evaluated: 2026-06-23. Review status: reviewed by expert panel. Criteria: ClinGen DICER1 ACMG Specifications DICER1 V1.4.0. Collection method: curation. Allele origin: germline. Inheritance: Autosomal dominant inheritance.
Comment: The NM_177438.2:c.4189T>C variant in DICER1 is a missense variant predicted to replace tryptophan with arginine at codon 1397 (p.Trp1397Arg). The highest population minor allele frequency in gnomAD v4.1.1 is 0.00001570 (1/63686 alleles) in the European Finnish population (PM2_Supporting, BS1, and BA1 are not met). This variant has been seen in 10 or more unrelated females without tumors through age 50 in at least one testing laboratory (BS2_Supporting; Internal lab contributors). In silico tools predict no damaging impact of the variant on protein function (REVEL: 0.207; MaxEntScan and SpliceAI: no effect on splicing) (BP4). In summary, this variant meets the criteria to be classified as likely benign for DICER1-related tumor predisposition based on the ACMG/AMP criteria applied, as specified by the ClinGen DICER1 VCEP: BS2_supporting; BP4. (Bayesian Points: -2; VCEP specifications version 1.4.0; 06/23/2026)

Ambry Genetics
Classification: Uncertain significance for Hereditary cancer-predisposing syndrome. Last evaluated: 2026-05-29. Review status: criteria provided, single submitter. Criteria: Ambry Variant Classification Scheme 2023. Collection method: clinical testing. Allele origin: germline. Not counted in ClinVar's aggregate classification.
Comment: The p.W1397R variant (also known as c.4189T>C), located in coding exon 21 of the DICER1 gene, results from a T to C substitution at nucleotide position 4189. The tryptophan at codon 1397 is replaced by arginine, an amino acid with dissimilar properties. This variant was detected as heterozygous in individual(s) with no reported features of DICER1-related tumor predisposition (Ambry internal data). This amino acid position is well conserved in available vertebrate species. In addition, this alteration is predicted to be deleterious by in silico analysis. Based on the available evidence, the clinical significance of this variant remains unclear.

Labcorp Genetics (formerly Invitae), Labcorp
Classification: Uncertain significance for DICER1-related tumor predisposition. Last evaluated: 2026-01-19. Review status: criteria provided, single submitter. Criteria: Invitae Variant Classification Sherloc (09022015). Collection method: clinical testing. Allele origin: germline. Not counted in ClinVar's aggregate classification.
Comment: This sequence change replaces tryptophan, which is neutral and slightly polar, with arginine, which is basic and polar, at codon 1397 of the DICER1 protein (p.Trp1397Arg). This variant is present in population databases (rs762677393, gnomAD 0.002%). This missense change has been observed in individual(s) with endometrial cancer (PMID: 30672147). ClinVar contains an entry for this variant (Variation ID: 242101). Invitae Evidence Modeling of protein sequence and biophysical properties (such as structural, functional, and spatial information, amino acid conservation, physicochemical variation, residue mobility, and thermodynamic stability) indicates that this missense variant is not expected to disrupt DICER1 protein function with a negative predictive value of 95%. In summary, the available evidence is currently insufficient to determine the role of this variant in disease. Therefore, it has been classified as a Variant of Uncertain Significance.

Baylor Genetics
Classification: Uncertain significance for Global developmental delay - lung cysts - overgrowth - Wilms tumor syndrome. Last evaluated: 2023-06-13. Review status: criteria provided, single submitter. Criteria: ACMG Guidelines, 2015. Collection method: clinical testing. Allele origin: unknown. Not counted in ClinVar's aggregate classification.

Blueprint Genetics
Classification: Uncertain significance. Last evaluated: 2023-03-02. Review status: criteria provided, single submitter. Criteria: ACMG Guidelines, 2015. Collection method: clinical testing. Allele origin: germline. Not counted in ClinVar's aggregate classification.

Sema4
Classification: Uncertain significance for Hereditary cancer-predisposing syndrome. Last evaluated: 2021-08-27. Review status: criteria provided, single submitter. Criteria: Sema4 Curation Guidelines. Collection method: curation. Allele origin: germline. Not counted in ClinVar's aggregate classification.
Comment: The DICER1 c.4189T>C (p.W1397R) variant has been reported in heterozygosity in at least one individual with uterine carcinoma (PMID:30672147). It was observed in 2/113686 chromosomes of the Non-Finnish European subpopulation in the large and broad cohorts of the Genome Aggregation Database (PMID: 32461654). The variant has been reported in ClinVar (Variation ID: 242101). Functional studies have not been performed and in silico predictions of the variant's effect on protein function are inconclusive. The evidence is insufficient to meet ACMG/AMP criteria for classifying the variant as benign or pathogenic. Thus, the clinical significance of this variant is currently uncertain.

Quest Diagnostics Nichols Institute San Juan Capistrano
Classification: Uncertain significance. Last evaluated: 2021-05-27. Review status: criteria provided, single submitter. Criteria: Quest Diagnostics criteria. Collection method: clinical testing. Allele origin: unknown. Not counted in ClinVar's aggregate classification.

GeneDx
Classification: Uncertain significance. Last evaluated: 2016-10-05. Review status: criteria provided, single submitter. Criteria: GeneDx Variant Classification (06012015). Collection method: clinical testing. Allele origin: germline. Affected: yes. Not counted in ClinVar's aggregate classification.
Comment: This variant is denoted DICER1 c.4189T>C at the cDNA level, p.Trp1397Arg (W1397R) at the protein level, and results in the change of a Tryptophan to an Arginine (TGG>CGG). This variant has not, to our knowledge, been published in the literature as pathogenic or benign. DICER1 Trp1397Arg was not observed in approximately 6,500 individuals of European and African American ancestry in the NHLBI Exome Sequencing Project, suggesting it is not a common benign variant in these populations. Since Tryptophan and Arginine differ in polarity, charge, size or other properties, this is considered a non-conservative amino acid substitution. DICER1 Trp1397Arg occurs at a position that is conserved in mammals and is located in the RNase III 1 domain (UniProt). In silico analyses are inconsistent regarding the effect this variant may have on protein structure and function. Based on currently available evidence, it is unclear whether DICER1 Trp1397Arg is a pathogenic or benign variant. We consider it to be a variant of uncertain significance.

Literature cited by the submitters: PubMed 30672147 (cited by 4 submitters).

NM_177438.3(DICER1):c.4189T>C (p.Trp1397Arg)

Gene: DICER1 (dicer 1, ribonuclease III; minus strand). Cytogenetic location: 14q32.13.
Variant type: single nucleotide variant.
Coding change: c.4189T>C on transcript NM_177438.3 (MANE Select); coding-DNA position 4189, T replaced by C.
Protein change: p.Trp1397Arg; replaces tryptophan 1397 with arginine.
Molecular consequence: missense variant.
Genome position (GRCh38, 1-based): chr14:95,099,797, A>G on the plus strand (T>C on the coding strand, the complement: DICER1 is on the minus strand). VCF-style: chr14-95099797-A-G. GRCh37 (hg19) VCF-style: chr14-95566134-A-G.
Other names: NM_177438.3(DICER1):c.4189T>C; p.Trp1397Arg; c.4189T>C, p.Trp1397Arg (NM_001195573.1, NM_001271282.3, NM_001291628.2 and 1 more transcripts); short protein forms W1397R.
Identifiers: ClinVar variation 242101 (VCV000242101.22), dbSNP rs762677393, ClinGen allele CA7330936.